The following is an entry in ClinVar:

ClinVar aggregate classification (germline): Uncertain significance (1 of 4 stars; one submission).

Conditions:
BCOR-related disorder. Also called: BCOR-related disorders; BCOR-related condition.

Allele frequency attached by ClinVar (database versions not stated): gnomAD exomes 0.00001; ExAC 0.00002.
gnomAD v4.1: 3 of 1,207,512 alleles (0.00025%); highest among the groups gnomAD compares: Non-Finnish European, 0.00034%; no homozygotes.

Submission:

PreventionGenetics, part of Exact Sciences
Classification: Uncertain significance for BCOR-related condition. Last evaluated: 2025-11-24. Review status: criteria provided, single submitter. Criteria: ACMG Guidelines, 2015. Collection method: clinical testing. Allele origin: germline.
Comment: The BCOR c.820C>G variant is predicted to result in the amino acid substitution p.Pro274Ala. To our knowledge, this variant has not been reported in the literature. This variant is reported in 0.0013% of alleles in individuals of European (Non-Finnish) descent in gnomAD. At this time, the clinical significance of this variant is uncertain due to the absence of conclusive functional and genetic evidence.

NM_001123385.2(BCOR):c.820C>G (p.Pro274Ala)

Genes: BCOR (BCL6 corepressor; minus strand), LOC126863239 (MED14-independent group 3 enhancer GRCh37_chrX:39932994-39934193; plus strand). Cytogenetic location: Xp11.4.
Variant type: single nucleotide variant.
Coding change: c.820C>G on transcript NM_001123385.2 (MANE Select); coding-DNA position 820, C replaced by G.
Protein change: p.Pro274Ala; replaces proline 274 with alanine.
Molecular consequence: missense variant.
Genome position (GRCh38, 1-based): chrX:40,074,526, G>C on the plus strand (C>G on the coding strand, the complement: BCOR is on the minus strand). VCF-style: chrX-40074526-G-C. GRCh37 (hg19) VCF-style: chrX-39933779-G-C.
Other names: c.820C>G, p.Pro274Ala (NM_001123383.2, NM_001123384.2, NM_017745.6); short protein forms P274A.
Identifiers: ClinVar variation 3038655 (VCV003038655.3), dbSNP rs781778869, ClinGen allele CA10387009.
Genomic context (GRCh38, chrX:40,074,526, plus strand): 5'-TGACGCCCATCTTCCACGGGAGGCTTTTGTCTGCGCAATGGACGAGAGGCGGGATGGCTG[G>C]GGAGGCCGAAGGTGTCGAGAGCCTCATGGGTGATGCCAAGGACGATGGGATGTGGGGACC-3'
Protein context (NP_001116857.1, residues 264-284): PMRLSTPSAS[Pro274Ala]AIPPLVHCAD